The following is an entry in ClinVar:

NM_030928.4(CDT1):c.293T>C (p.Ile98Thr)

Gene: CDT1 (chromatin licensing and DNA replication factor 1; plus strand). Cytogenetic location: 16q24.3.
Variant type: single nucleotide variant.
Coding change: c.293T>C on transcript NM_030928.4 (MANE Select); coding-DNA position 293, T replaced by C.
Protein change: p.Ile98Thr; replaces isoleucine 98 with threonine.
Molecular consequence: missense variant.
Genome position (GRCh38, 1-based): chr16:88,804,609, T>C. VCF-style: chr16-88804609-T-C. GRCh37 (hg19) VCF-style: chr16-88871017-T-C.
Other names: short protein forms I98T.
Identifiers: ClinVar variation 2820373 (VCV002820373.3), dbSNP rs2508196559, ClinGen allele CA397072110.
Genomic context (GRCh38, chr16:88,804,609, plus strand): 5'-CCAGCCCCAGTACCCCCGAGGCCCCAGACATCCCAGCCTGCCCTTCTCCGGGCCAGAAGA[T>C]AAAGAAATCCACCCCGGCAGCAGGTCAGCCGCCCCACCTGACATCCGCGCAGGACCAGGT-3'
Protein context (NP_112190.2, residues 88-108): IPACPSPGQK[Ile98Thr]KKSTPAAGQP

ClinVar aggregate classification (germline): Uncertain significance (1 of 4 stars; one submission).

Allele frequency attached by ClinVar (database versions not stated): gnomAD exomes below 0.00001.

Submission:

Labcorp Genetics (formerly Invitae), Labcorp
Classification: Uncertain significance. Last evaluated: 2023-10-05. Review status: criteria provided, single submitter. Criteria: Invitae Variant Classification Sherloc (09022015). Collection method: clinical testing. Allele origin: germline.
Comment: This sequence change replaces isoleucine, which is neutral and non-polar, with threonine, which is neutral and polar, at codon 98 of the CDT1 protein (p.Ile98Thr). This variant is not present in population databases (gnomAD no frequency). This variant has not been reported in the literature in individuals affected with CDT1-related conditions. Algorithms developed to predict the effect of missense changes on protein structure and function output the following: SIFT: "Not Available"; PolyPhen-2: "Benign"; Align-GVGD: "Not Available". The threonine amino acid residue is found in multiple mammalian species, which suggests that this missense change does not adversely affect protein function. In summary, the available evidence is currently insufficient to determine the role of this variant in disease. Therefore, it has been classified as a Variant of Uncertain Significance.